The following is an entry in ClinVar:

ClinVar aggregate classification (germline): Uncertain significance. Review status: criteria provided, multiple submitters, no conflicts (2 of 4 stars). 2 submissions from 2 submitters: Uncertain significance (2). Last evaluated 2021-09-02.

Conditions:
Cerebral folate transport deficiency. Also called: FOLATE RECEPTOR DEFICIENCY; NEURODEGENERATION DUE TO CEREBRAL FOLATE TRANSPORT DEFICIENCY; Neurodegenerative syndrome due to cerebral folate transport deficiency; FOLR1-Related Cerebral Folate Transport Deficiency; Cerebral folate deficiency syndrome. Identifiers: Orphanet 217382, MedGen C2751584, MONDO:0013110, OMIM 613068. Disease mechanism: loss of function.

Allele frequency attached by ClinVar (database versions not stated): gnomAD exomes below 0.00001; TOPMed 0.00002; gnomAD 0.00005.

Submissions (2):

Labcorp Genetics (formerly Invitae), Labcorp
Classification: Uncertain significance for Cerebral folate transport deficiency. Last evaluated: 2021-09-02. Review status: criteria provided, single submitter. Criteria: Invitae Variant Classification Sherloc (09022015). Collection method: clinical testing. Allele origin: germline.
Comment: This sequence change replaces asparagine with aspartic acid at codon 131 of the FOLR1 protein (p.Asn131Asp). The asparagine residue is moderately conserved and there is a small physicochemical difference between asparagine and aspartic acid. This variant is not present in population databases (ExAC no frequency). This variant has not been reported in the literature in individuals affected with FOLR1-related conditions. Algorithms developed to predict the effect of missense changes on protein structure and function output the following: SIFT: "Tolerated"; PolyPhen-2: "Benign"; Align-GVGD: "Class C0". The aspartic acid amino acid residue is found in multiple mammalian species, which suggests that this missense change does not adversely affect protein function. In summary, the available evidence is currently insufficient to determine the role of this variant in disease. Therefore, it has been classified as a Variant of Uncertain Significance.

GeneDx
Classification: Uncertain significance. Last evaluated: 2019-12-17. Review status: criteria provided, single submitter. Criteria: GeneDx Variant Classification Process June 2021. Collection method: clinical testing. Allele origin: germline. Affected: yes.
Comment: In silico analysis, which includes protein predictors and evolutionary conservation, supports that this variant does not alter protein structure/function; Has not been previously published as pathogenic or benign to our knowledge; Missense variants in nearby residues reported in the Human Gene Mutation Database (Stenson et al., 2014)

NM_016729.3(FOLR1):c.391A>G (p.Asn131Asp)

Genes: FOLR1-AS1 (FOLR1 antisense RNA 1; minus strand), FOLR1 (folate receptor alpha; plus strand). Cytogenetic location: 11q13.4.
Variant type: single nucleotide variant.
Coding change: c.391A>G on transcript NM_016729.3 (MANE Select); coding-DNA position 391, A replaced by G.
Protein change: p.Asn131Asp; replaces asparagine 131 with aspartic acid.
Molecular consequence: missense variant.
Genome position (GRCh38, 1-based): chr11:72,195,645, A>G. VCF-style: chr11-72195645-A-G. GRCh37 (hg19) VCF-style: chr11-71906689-A-G.
Other names: c.391A>G, p.Asn131Asp (NM_000802.3, NM_016724.3, NM_016725.3); short protein forms N131D.
Identifiers: ClinVar variation 1311141 (VCV001311141.6), dbSNP rs1029995293, ClinGen allele CA224405044.